The following is an entry in ClinVar:

ClinVar aggregate classification (germline): Conflicting classifications of pathogenicity. Review status: criteria provided, conflicting classifications (1 of 4 stars). 3 submissions from 3 submitters: Uncertain significance (2); Likely benign (1). Last evaluated 2024-04-18.

Conditions:
Hereditary cancer-predisposing syndrome. Also called: Neoplastic Syndromes, Hereditary; Tumor predisposition; Hereditary Cancer Syndrome; Hereditary neoplastic syndrome. Identifiers: Orphanet 140162, MedGen C0027672, MeSH D009386, MONDO:0015356.

Submissions (3):

Ambry Genetics
Classification: Uncertain significance for Hereditary cancer-predisposing syndrome. Last evaluated: 2024-04-18. Review status: criteria provided, single submitter. Criteria: Ambry Variant Classification Scheme 2023. Collection method: clinical testing. Allele origin: germline.
Comment: The p.Q1502R variant (also known as c.4505A>G), located in coding exon 10 of the BRCA2 gene, results from an A to G substitution at nucleotide position 4505. The glutamine at codon 1502 is replaced by arginine, an amino acid with highly similar properties. This amino acid position is poorly conserved in available vertebrate species. In addition, this alteration is predicted to be tolerated by in silico analysis. Based on the available evidence, the clinical significance of this variant remains unclear.

University of Washington Department of Laboratory Medicine, University of Washington
Classification: Likely benign for Hereditary cancer-predisposing syndrome. Last evaluated: 2023-03-23. Review status: criteria provided, single submitter. Criteria: Dines et al. (Genet Med. 2020). Collection method: curation. Allele origin: germline.
Comment: Missense variant in a coldspot region where missense variants are very unlikely to be pathogenic (PMID:31911673).

BRCA2 exon 11 coldspot. Reclassification based on statistical prior probability.

Quest Diagnostics Nichols Institute San Juan Capistrano
Classification: Uncertain significance. Last evaluated: 2022-12-28. Review status: criteria provided, single submitter. Criteria: Quest Diagnostics criteria. Collection method: clinical testing. Allele origin: unknown.
Comment: It has not been reported in large, multi-ethnic general populations. In the published literature, the variant has been reported in breast cancer association studies (PMIDs: 14973102 (2004) and 31825140 (2019)). Additionally, the variant has been reported both as likely deleterious (PMID: 14973102 (2004)) and as having a decreased association with disease (PMID: 31853058 (2020)). Analysis of this variant using bioinformatics tools for the prediction of the effect of amino acid changes on protein structure and function yielded predictions that this variant is benign. Based on the available information, we are unable to determine the clinical significance of this variant.

Literature cited by the submitters: PubMed 14973102 (cited by Ambry Genetics and Quest Diagnostics Nichols Institute San Juan Capistrano); PubMed 35171259 (cited by Ambry Genetics); PubMed 31825140 (cited by Quest Diagnostics Nichols Institute San Juan Capistrano); PubMed 31853058 (cited by Quest Diagnostics Nichols Institute San Juan Capistrano).

NM_000059.4(BRCA2):c.4505A>G (p.Gln1502Arg)

Gene: BRCA2 (BRCA2 DNA repair associated; plus strand). Cytogenetic location: 13q13.1.
Variant type: single nucleotide variant.
Coding change: c.4505A>G on transcript NM_000059.4 (MANE Select); coding-DNA position 4505, A replaced by G.
Protein change: p.Gln1502Arg; replaces glutamine 1502 with arginine.
Molecular consequence: missense variant.
Genome position (GRCh38, 1-based): chr13:32,338,860, A>G. VCF-style: chr13-32338860-A-G. GRCh37 (hg19) VCF-style: chr13-32912997-A-G.
Other names: short protein forms Q1502R.
Identifiers: ClinVar variation 234199 (VCV000234199.9), dbSNP rs876660919, ClinGen allele CA10579621.
Genomic context (GRCh38, chr13:32,338,860, plus strand): 5'-AAACAGACATAGTTAAACACAAAATACTGAAAGAAAGTGTCCCAGTTGGTACTGGAAATC[A>G]ACTAGTGACCTTCCAGGGACAACCCGAACGTGATGAAAAGATCAAAGAACCTACTCTATT-3'
Protein context (NP_000050.3, residues 1492-1512): KESVPVGTGN[Gln1502Arg]LVTFQGQPER